The following is an entry in ClinVar:

NM_145691.4(ATPAF2):c.436G>T (p.Glu146Ter)

Gene: ATPAF2 (ATP synthase mitochondrial F1 complex assembly factor 2; minus strand). Cytogenetic location: 17p11.2.
Variant type: single nucleotide variant.
Coding change: c.436G>T on transcript NM_145691.4 (MANE Select); coding-DNA position 436, G replaced by T.
Protein change: p.Glu146Ter; replaces glutamic acid 146 with a stop codon.
Molecular consequence: nonsense.
Genome position (GRCh38, 1-based): chr17:18,024,691, C>A on the plus strand (G>T on the coding strand, the complement: ATPAF2 is on the minus strand). VCF-style: chr17-18024691-C-A. GRCh37 (hg19) VCF-style: chr17-17928005-C-A.
Other names: short protein forms E146*.
Identifiers: ClinVar variation 4845818 (VCV004845818.1).

ClinVar aggregate classification (germline): Likely pathogenic (1 of 4 stars; one submission).

Conditions:
Mitochondrial complex V (ATP synthase) deficiency, nuclear type 1. Also called: Nuclear-Encoded ATPase Deficiency, ATPAF2-Related; MITOCHONDRIAL COMPLEX V (ATP SYNTHASE) DEFICIENCY, ATPAF2 TYPE. Identifiers: Orphanet 254913, MedGen C3276276, MONDO:0011421, OMIM 604273.

Submission:

First Genomix Gene Laboratory, Genetic Diagnostics Department
Classification: Likely pathogenic for Mitochondrial complex V (ATP synthase) deficiency, nuclear type 1. Last evaluated: 2025-03-14. Review status: criteria provided, single submitter. Criteria: ACMG Guidelines, 2015. Collection method: clinical testing. Allele origin: germline. Inheritance: Autosomal recessive inheritance. Affected: no. Observed: 1 variant allele.